The following is an entry in ClinVar:

NM_001195129.2(PRSS56):c.1258G>T (p.Gly420Ter)

Gene: PRSS56 (serine protease 56; plus strand). Cytogenetic location: 2q37.1.
Variant type: single nucleotide variant.
Coding change: c.1258G>T on transcript NM_001195129.2 (MANE Select); coding-DNA position 1258, G replaced by T.
Protein change: p.Gly420Ter; replaces glycine 420 with a stop codon.
Molecular consequence: nonsense.
Genome position (GRCh38, 1-based): chr2:232,524,110, G>T. VCF-style: chr2-232524110-G-T. GRCh37 (hg19) VCF-style: chr2-233388820-G-T.
Other names: c.1261G>T, p.Gly421Ter (NM_001369848.1); short protein forms G420*, G421*.
Identifiers: ClinVar variation 2047480 (VCV002047480.4), dbSNP rs1041798789, ClinGen allele CA66949217.

ClinVar aggregate classification (germline): Pathogenic (1 of 4 stars; one submission).

Conditions:
Isolated microphthalmia 6. Also called: MICROPHTHALMIA, POSTERIOR NONSYNDROMIC. Identifiers: Orphanet 2542, MedGen C3150757, MONDO:0013293, OMIM 613517.

Allele frequency attached by ClinVar (database versions not stated): gnomAD 0.00001; TOPMed 0.00002.

Submission:

Labcorp Genetics (formerly Invitae), Labcorp
Classification: Pathogenic for Isolated microphthalmia 6. Last evaluated: 2024-10-20. Review status: criteria provided, single submitter. Criteria: Invitae Variant Classification Sherloc (09022015). Collection method: clinical testing. Allele origin: germline.
Comment: This sequence change creates a premature translational stop signal (p.Gly420*) in the PRSS56 gene. It is expected to result in an absent or disrupted protein product. Loss-of-function variants in PRSS56 are known to be pathogenic (PMID: 31266062, 31992737). This variant is present in population databases (no rsID available, gnomAD 0.02%). This variant has not been reported in the literature in individuals affected with PRSS56-related conditions. ClinVar contains an entry for this variant (Variation ID: 2047480). For these reasons, this variant has been classified as Pathogenic.

Literature cited by the submitters: PubMed 31266062; PubMed 31992737.